The following is an entry in ClinVar:

ClinVar aggregate classification (germline): Uncertain significance (1 of 4 stars; one submission).

Allele frequency attached by ClinVar (database versions not stated): gnomAD exomes below 0.00001.

Submission:

Labcorp Genetics (formerly Invitae), Labcorp
Classification: Uncertain significance. Last evaluated: 2022-09-14. Review status: criteria provided, single submitter. Criteria: Invitae Variant Classification Sherloc (09022015). Collection method: clinical testing. Allele origin: germline.
Comment: This sequence change creates a premature translational stop signal (p.Ser328Leufs*35) in the SIAE gene. It is expected to result in an absent or disrupted protein product. However, the current clinical and genetic evidence is not sufficient to establish whether loss-of-function variants in SIAE cause disease. This variant is not present in population databases (gnomAD no frequency). This variant has not been reported in the literature in individuals affected with SIAE-related conditions. In summary, the available evidence is currently insufficient to determine the role of this variant in disease. Therefore, it has been classified as a Variant of Uncertain Significance.

NM_170601.5(SIAE):c.982del (p.Ser328fs)

Gene: SIAE (sialic acid acetylesterase; minus strand). Cytogenetic location: 11q24.2.
Variant type: Deletion.
Coding change: c.982del on transcript NM_170601.5 (MANE Select); coding-DNA position 982, one base deleted (T; older notation c.982delT).
Protein change: p.Ser328fs; shifts the reading frame from serine 328.
Molecular consequence: frameshift variant.
Genome position (GRCh38, 1-based): chr11:124,639,852, A deleted on the plus strand (T on the coding strand, the reverse complement: SIAE is on the minus strand). VCF-style (leftmost placement, unchanged base first): chr11-124639851-GA-G. GRCh37 (hg19) VCF-style: chr11-124509747-GA-G.
Other names: c.877del, p.Ser293fs (NM_001199922.2); short protein forms S328fs, S293fs.
Identifiers: ClinVar variation 2094910 (VCV002094910.4), dbSNP rs2496883457, ClinGen allele CA2547149609.